The following is an entry in ClinVar:

NM_005912.3(MC4R):c.597_599del (p.Met200del)

Gene: MC4R (melanocortin 4 receptor; minus strand). Cytogenetic location: 18q21.32.
Variant type: Deletion.
Coding change: c.597_599del on transcript NM_005912.3 (MANE Select); coding-DNA positions 597 to 599, 3 bases deleted (CAT; older notation c.597_599delCAT).
Protein change: p.Met200del; deletes methionine 200.
Molecular consequence: inframe deletion.
Genome position (GRCh38, 1-based): chr18:60,371,751-60,371,753, ATG deleted on the plus strand (CAT on the coding strand, the reverse complement: MC4R is on the minus strand). VCF-style (leftmost placement, unchanged base first): chr18-60371750-CATG-C. GRCh37 (hg19) VCF-style: chr18-58038983-CATG-C.
Other names: short protein forms M200del.
Identifiers: ClinVar variation 3347981 (VCV003347981.2).

ClinVar aggregate classification (germline): Uncertain significance (1 of 4 stars; one submission).

Conditions:
MC4R-related disorder. Also called: MC4R-related condition.

Submission:

PreventionGenetics, part of Exact Sciences
Classification: Uncertain significance for MC4R-related condition. Last evaluated: 2025-11-07. Review status: criteria provided, single submitter. Criteria: ACMG Guidelines, 2015. Collection method: clinical testing. Allele origin: germline.
Comment: The MC4R c.597_599delCAT variant is predicted to result in an in-frame deletion (p.Met200del). This variant was reported in the heterozygous state in individuals with obesity (Case 11 in Aykut et al. 2020. PubMed ID: 32185475; Kirmizibekmez et al. 2022. PubMed ID: 35355494; Table S2, Brouwers et al. 2021. PubMed ID: 33761344). This variant was also reported in a consanguineous family with obesity in which the affected mother and father were heterozygous and two affected children were homozygous (Wangensteen et al. 2009. PubMed ID: 19301229). This variant has not been reported in a large population database, indicating this variant is rare. At this time, the clinical significance of this variant is uncertain due to the absence of conclusive functional and genetic evidence.